The following is an entry in ClinVar:

ClinVar aggregate classification (germline): Uncertain significance (1 of 4 stars; one submission).

Submission:

Laboratory for Molecular Medicine, Mass General Brigham Personalized Medicine
Classification: Uncertain significance. Last evaluated: 2017-10-10. Review status: criteria provided, single submitter. Criteria: LMM Criteria. Collection method: clinical testing. Allele origin: germline. Observed: 1 variant allele.
Comment: The p.Thr224Asn variant in SFTPA1 has not been previously reported in individual s with surfactant deficiency or pulmonary fibrosis, or in large population studi es. Computational prediction tools and conservation analysis suggest that the p. Thr224Asn variant may impact the protein, though this information is not predict ive enough to determine pathogenicity. In summary, the clinical significance of the p.Thr224Asn variant is uncertain. ACMG/AMP Criteria applied: PM2, PP3 (Richa rds 2015).

NM_005411.5(SFTPA1):c.626C>A (p.Thr209Asn)

Gene: SFTPA1 (surfactant protein A1; plus strand). Cytogenetic location: 10q22.3.
Variant type: single nucleotide variant.
Coding change: c.626C>A on transcript NM_005411.5 (MANE Select); coding-DNA position 626, C replaced by A.
Protein change: p.Thr209Asn; replaces threonine 209 with asparagine.
Molecular consequence: missense variant.
Genome position (GRCh38, 1-based): chr10:79,613,992, C>A. VCF-style: chr10-79613992-C-A. GRCh37 (hg19) VCF-style: chr10-81373748-C-A.
Other names: c.671C>A, p.Thr224Asn (NM_001093770.3); c.626C>A, p.Thr209Asn (NM_001164644.2, NM_001164647.1); c.524C>A, p.Thr175Asn (NM_001164645.2); c.479C>A, p.Thr160Asn (NM_001164646.2); short protein forms T209N, T224N, T160N, T175N.
Identifiers: ClinVar variation 517626 (VCV000517626.5), dbSNP rs1554854656, ClinGen allele CA377356608.